The following is an entry in ClinVar:

NM_030667.3(PTPRO):c.2519C>T (p.Thr840Ile)

Gene: PTPRO (protein tyrosine phosphatase receptor type O; plus strand). Cytogenetic location: 12p12.3.
Variant type: single nucleotide variant.
Coding change: c.2519C>T on transcript NM_030667.3 (MANE Select); coding-DNA position 2519, C replaced by T.
Protein change: p.Thr840Ile; replaces threonine 840 with isoleucine.
Molecular consequence: missense variant.
Genome position (GRCh38, 1-based): chr12:15,551,632, C>T. VCF-style: chr12-15551632-C-T. GRCh37 (hg19) VCF-style: chr12-15704566-C-T.
Other names: c.2519C>T, p.Thr840Ile (NM_002848.4); c.86C>T, p.Thr29Ile (NM_030668.3, NM_030669.3, NM_030670.3 and 1 more transcripts); c.2519C>T (NM_030667.2); short protein forms T29I, T840I.
Identifiers: ClinVar variation 2190661 (VCV002190661.5), dbSNP rs769497379, ClinGen allele CA6466861.

ClinVar aggregate classification (germline): Uncertain significance. Review status: criteria provided, multiple submitters, no conflicts (2 of 4 stars). 3 submissions from 3 submitters: Uncertain significance (3). Last evaluated 2026-06-17.

Conditions:
Nephrotic syndrome, type 6 (NPHS6). Identifiers: Orphanet 656, MedGen C3280100, MONDO:0013619, OMIM 614196.

Allele frequency attached by ClinVar (database versions not stated): TOPMed 0.00007.
gnomAD v4.1: 48 of 1,613,454 alleles (0.003%); highest among the groups gnomAD compares: Admixed American, 0.017%; no homozygotes.

Submissions (3):

Ambry Genetics
Classification: Uncertain significance. Last evaluated: 2026-06-17. Review status: criteria provided, single submitter. Criteria: Ambry Variant Classification Scheme 2023. Collection method: clinical testing. Allele origin: germline.

Fulgent Genetics
Classification: Uncertain significance for Nephrotic syndrome, type 6. Last evaluated: 2024-04-01. Review status: criteria provided, single submitter. Criteria: ACMG Guidelines, 2015. Collection method: clinical testing. Allele origin: germline.

Labcorp Genetics (formerly Invitae), Labcorp
Classification: Uncertain significance. Last evaluated: 2022-04-08. Review status: criteria provided, single submitter. Criteria: Invitae Variant Classification Sherloc (09022015). Collection method: clinical testing. Allele origin: germline.
Comment: This variant is present in population databases (rs769497379, gnomAD 0.009%). In summary, the available evidence is currently insufficient to determine the role of this variant in disease. Therefore, it has been classified as a Variant of Uncertain Significance. Algorithms developed to predict the effect of missense changes on protein structure and function are either unavailable or do not agree on the potential impact of this missense change (SIFT: "Deleterious"; PolyPhen-2: "Benign"; Align-GVGD: "Class C65"). This variant has not been reported in the literature in individuals affected with PTPRO-related conditions. This sequence change replaces threonine, which is neutral and polar, with isoleucine, which is neutral and non-polar, at codon 840 of the PTPRO protein (p.Thr840Ile).